The following is an entry in ClinVar:

NM_025233.7(COASY):c.1091C>T (p.Thr364Ile)

Gene: COASY (Coenzyme A synthase; plus strand). Cytogenetic location: 17q21.2.
Variant type: single nucleotide variant.
Coding change: c.1091C>T on transcript NM_025233.7 (MANE Select); coding-DNA position 1091, C replaced by T.
Protein change: p.Thr364Ile; replaces threonine 364 with isoleucine.
Molecular consequence: missense variant.
Genome position (GRCh38, 1-based): chr17:42,564,752, C>T. VCF-style: chr17-42564752-C-T. GRCh37 (hg19) VCF-style: chr17-40716770-C-T.
Other names: c.1091C>T, p.Thr364Ile (NM_001042529.3); c.1178C>T, p.Thr393Ile (NM_001042532.4); short protein forms T364I, T393I.
Identifiers: ClinVar variation 1901802 (VCV001901802.6), dbSNP rs1301163144, ClinGen allele CA399597171.
Genomic context (GRCh38, chr17:42,564,752, plus strand): 5'-CTTTCACCTATCCCCAGGAAAGGCCAGAGCTCCCCACATGTCTCTATGTAATTGGGCTGA[C>T]TGGCATCAGTGGCTCTGGGAAGAGCTCAATAGCTCAGCGACTGAAGGGCCTGGGGGCGTT-3'
Protein context (NP_079509.5, residues 354-374): LPTCLYVIGL[Thr364Ile]GISGSGKSSI

ClinVar aggregate classification (germline): Uncertain significance. Review status: criteria provided, multiple submitters, no conflicts (2 of 4 stars). 2 submissions from 2 submitters: Uncertain significance (2). Last evaluated 2023-12-06.

Conditions:
Neurodegeneration with brain iron accumulation 6 (NBIA6). Also called: COASY protein-associated neurodegeneration. Identifiers: Orphanet 397725, MedGen C4517377, MONDO:0014290, OMIM 615643.

Allele frequency attached by ClinVar (database versions not stated): gnomAD exomes below 0.00001; TOPMed below 0.00001.
gnomAD v4.1: 2 of 1,530,490 alleles (0.00013%); highest among the groups gnomAD compares: Non-Finnish European, 0.00017%; no homozygotes.

Submissions (2):

Labcorp Genetics (formerly Invitae), Labcorp
Classification: Uncertain significance for Neurodegeneration with brain iron accumulation 6. Last evaluated: 2023-12-06. Review status: criteria provided, single submitter. Criteria: Invitae Variant Classification Sherloc (09022015). Collection method: clinical testing. Allele origin: germline.
Comment: This sequence change replaces threonine, which is neutral and polar, with isoleucine, which is neutral and non-polar, at codon 364 of the COASY protein (p.Thr364Ile). This variant is not present in population databases (gnomAD no frequency). This variant has not been reported in the literature in individuals affected with COASY-related conditions. ClinVar contains an entry for this variant (Variation ID: 1901802). Advanced modeling of protein sequence and biophysical properties (such as structural, functional, and spatial information, amino acid conservation, physicochemical variation, residue mobility, and thermodynamic stability) performed at Invitae indicates that this missense variant is not expected to disrupt COASY protein function with a negative predictive value of 80%. In summary, the available evidence is currently insufficient to determine the role of this variant in disease. Therefore, it has been classified as a Variant of Uncertain Significance.

Ambry Genetics
Classification: Uncertain significance. Last evaluated: 2022-10-26. Review status: criteria provided, single submitter. Criteria: Ambry Variant Classification Scheme 2023. Collection method: clinical testing. Allele origin: germline.